The following is an entry in ClinVar:

ClinVar aggregate classification (germline): Uncertain significance. Review status: criteria provided, multiple submitters, no conflicts (2 of 4 stars). 6 submissions from 6 submitters: Uncertain significance (6). Last evaluated 2025-02-17.

Conditions:
Arrhythmogenic cardiomyopathy with wooly hair and keratoderma. Also called: Carvajal syndrome; PALMOPLANTAR KERATODERMA WITH LEFT VENTRICULAR CARDIOMYOPATHY AND WOOLLY HAIR; Dilated cardiomyopathy with woolly hair and keratoderma; Arrhythmogenic cardiomyopathy with woolly hair and keratoderma. Identifiers: Orphanet 65282, MedGen C1854063, MONDO:0011581, OMIM 605676.
Cardiovascular phenotype. Identifiers: MedGen CN230736.
Cardiomyopathy (CMYO). Also called: Cardiomyopathies. Identifiers: Orphanet 167848, MedGen C0878544, MONDO:0004994, HP:0001638. Inheritance: Various modes of inheritance.
Arrhythmogenic right ventricular dysplasia 8 (ARVD8). Also called: ARRHYTHMOGENIC RIGHT VENTRICULAR CARDIOMYOPATHY 8; Arrhythmogenic Right Ventricular Dysplasia/Cardiomyopathy 8; ARRHYTHMOGENIC RIGHT VENTRICULAR DYSPLASIA, FAMILIAL, 8. Identifiers: MedGen C1843896, MONDO:0011831, OMIM 607450.

Allele frequency attached by ClinVar (database versions not stated): TOPMed below 0.00001; gnomAD exomes 0.00001.
gnomAD v4.1: 3 of 1,614,218 alleles (0.00019%); highest among the groups gnomAD compares: Non-Finnish European, 0.00025%; no homozygotes.

Submissions (6):

Molecular Diagnostic Laboratory for Inherited Cardiovascular Disease, Montreal Heart Institute
Classification: Uncertain significance for Cardiovascular phenotype. Last evaluated: 2025-02-17. Review status: criteria provided, single submitter. Criteria: ACMG Guidelines, 2015. Collection method: clinical testing. Allele origin: germline. Affected: yes.

Ambry Genetics
Classification: Uncertain significance for Cardiovascular phenotype. Last evaluated: 2024-10-02. Review status: criteria provided, single submitter. Criteria: Ambry Variant Classification Scheme 2023. Collection method: clinical testing. Allele origin: germline.
Comment: The p.L975P variant (also known as c.2924T>C), located in coding exon 21 of the DSP gene, results from a T to C substitution at nucleotide position 2924. The leucine at codon 975 is replaced by proline, an amino acid with similar properties. This amino acid position is conserved. In addition, this alteration is predicted to be deleterious by in silico analysis. Since supporting evidence is limited at this time, the clinical significance of this alteration remains unclear.

Color Diagnostics, LLC DBA Color Health
Classification: Uncertain significance for Cardiomyopathy. Last evaluated: 2024-03-06. Review status: criteria provided, single submitter. Criteria: ACMG Guidelines, 2015. Collection method: clinical testing. Allele origin: germline.
Comment: This missense variant replaces leucine with proline at codon 975 of the DSP protein. Computational prediction suggests that this variant may not impact protein structure and function (internally defined REVEL score threshold <= 0.5, PMID: 27666373). To our knowledge, functional studies have not been reported for this variant. This variant has not been reported in individuals affected with cardiovascular disorders in the literature. This variant has been identified in 2/251456 chromosomes in the general population by the Genome Aggregation Database (gnomAD). The available evidence is insufficient to determine the role of this variant in disease conclusively. Therefore, this variant is classified as a Variant of Uncertain Significance.

All of Us Research Program, National Institutes of Health
Classification: Uncertain significance for Arrhythmogenic cardiomyopathy with wooly hair and keratoderma. Last evaluated: 2023-11-28. Review status: criteria provided, single submitter. Criteria: ACMG Guidelines, 2015. Collection method: clinical testing. Allele origin: germline. Inheritance: Autosomal dominant inheritance. Observed: 2 variant alleles, 2 heterozygotes.
Comment: This missense variant replaces leucine with proline at codon 975 of the DSP protein. Computational prediction suggests that this variant may not impact protein structure and function (internally defined REVEL score threshold <= 0.5, PMID: 27666373). To our knowledge, functional studies have not been reported for this variant. This variant has not been reported in individuals affected with cardiovascular disorders in the literature. This variant has been identified in 2/251456 chromosomes in the general population by the Genome Aggregation Database (gnomAD). The available evidence is insufficient to determine the role of this variant in disease conclusively. Therefore, this variant is classified as a Variant of Uncertain Significance.

This study involves interpretation of variants in research participants for the purpose of population health screening. Participant phenotype was not available at the time of variant classification. Additional details can be found in publication PMID: 35346344, PMCID: PMC8962531

Labcorp Genetics (formerly Invitae), Labcorp
Classification: Uncertain significance for Arrhythmogenic cardiomyopathy with wooly hair and keratoderma; Arrhythmogenic right ventricular dysplasia 8. Last evaluated: 2021-06-16. Review status: criteria provided, single submitter. Criteria: Invitae Variant Classification Sherloc (09022015). Collection method: clinical testing. Allele origin: germline.
Comment: In summary, the available evidence is currently insufficient to determine the role of this variant in disease. Therefore, it has been classified as a Variant of Uncertain Significance. Algorithms developed to predict the effect of missense changes on protein structure and function (SIFT, PolyPhen-2, Align-GVGD) all suggest that this variant is likely to be disruptive, but these predictions have not been confirmed by published functional studies and their clinical significance is uncertain. This variant has not been reported in the literature in individuals with DSP-related conditions. ClinVar contains an entry for this variant (Variation ID: 626488). This variant is not present in population databases (ExAC no frequency). This sequence change replaces leucine with proline at codon 975 of the DSP protein (p.Leu975Pro). The leucine residue is highly conserved and there is a moderate physicochemical difference between leucine and proline.

CHEO Genetics Diagnostic Laboratory, Children's Hospital of Eastern Ontario
Classification: Uncertain significance for Cardiomyopathy. Last evaluated: 2020-09-22. Review status: criteria provided, single submitter. Criteria: ACMG Guidelines, 2015. Collection method: clinical testing. Allele origin: germline. Study: Canadian Open Genetics Repository.

NM_004415.4(DSP):c.2924T>C (p.Leu975Pro)

Gene: DSP (desmoplakin; plus strand). Cytogenetic location: 6p24.3.
Variant type: single nucleotide variant.
Coding change: c.2924T>C on transcript NM_004415.4 (MANE Select); coding-DNA position 2924, T replaced by C.
Protein change: p.Leu975Pro; replaces leucine 975 with proline.
Molecular consequence: missense variant.
Genome position (GRCh38, 1-based): chr6:7,577,825, T>C. VCF-style: chr6-7577825-T-C. GRCh37 (hg19) VCF-style: chr6-7578058-T-C.
Other names: c.2924T>C (LRG_423t1, NM_004415.3); c.2924T>C, p.Leu975Pro (NM_001008844.3, NM_001319034.2); short protein forms L975P.
Identifiers: ClinVar variation 626488 (VCV000626488.18), dbSNP rs1473895931, ClinGen allele CA362682450.
Genomic context (GRCh38, chr6:7,577,825, plus strand): 5'-TCATTATGCTGCAGGATTATGAGCTCCAGCTGGCCTCATACACCTCAGGACTGGAAACTC[T>C]GCTGAACATACCTATCAAGAGGACCATGATTCAGTCCCCTTCTGGGGTGATTCTGCAAGA-3'
Protein context (NP_004406.2, residues 965-985): LASYTSGLET[Leu975Pro]LNIPIKRTMI